The following is an entry in ClinVar:

ClinVar aggregate classification (germline): Likely benign (1 of 4 stars; one submission).

Submission:

CeGaT Center for Human Genetics Tuebingen
Classification: Likely benign. Last evaluated: 2024-12-01. Review status: criteria provided, single submitter. Criteria: CeGaT Center For Human Genetics Tuebingen Variant Classification Criteria Version 2. Collection method: clinical testing. Allele origin: germline. Affected: yes. Observed: 1 variant allele.
Comment: AEBP1: PM2:Supporting, BP4, BP7

NM_001129.5(AEBP1):c.1671C>A (p.Thr557=)

Gene: AEBP1 (AE binding protein 1; plus strand). Cytogenetic location: 7p13.
Variant type: single nucleotide variant.
Coding change: c.1671C>A on transcript NM_001129.5 (MANE Select); coding-DNA position 1671, C replaced by A.
Protein change: p.Thr557=; no amino-acid change (threonine 557 retained).
Molecular consequence: synonymous variant.
Genome position (GRCh38, 1-based): chr7:44,111,194, C>A. VCF-style: chr7-44111194-C-A. GRCh37 (hg19) VCF-style: chr7-44150793-C-A.
Identifiers: ClinVar variation 3771721 (VCV003771721.13).